The following is an entry in ClinVar:

ClinVar aggregate classification (somatic clinical impact): Tier II - Potential (1 of 4 stars; one submission).

Conditions:
Primary central nervous system lymphoma. Identifiers: Orphanet 46135, MedGen C0280803, MONDO:0002571, HP:0030069.

Submission:

National Institute of Cancer Research, National Health Research Institutes
Classification: Tier II - Potential for Primary central nervous system lymphoma. Assertion type: therapeutic. Clinical significance: reduced sensitivity. Review status: criteria provided, single submitter. Criteria: AMP/ASCO/CAP Guidelines, 2017. Collection method: clinical testing. Allele origin: somatic. Affected: yes.
Comment: Variant has Tier II (potential) clinical significance as a therapeutic (reduced sensitivity) criterion in lymphoma based on the following evidence: 1) Infomration in the literature supports potential biologic effect of variant (PMID: 36495369). 2) Mutations affecting IRF4 and therapeutic response (PMID: 37935654)

Literature cited by the submitters: PubMed 36495369; PubMed 37935654.

NM_002460.4(IRF4):c.45C>G (p.Ser15Arg)

Gene: IRF4 (interferon regulatory factor 4; plus strand). Cytogenetic location: 6p25.3.
Variant type: single nucleotide variant.
Coding change: c.45C>G on transcript NM_002460.4 (MANE Select); coding-DNA position 45, C replaced by G.
Protein change: p.Ser15Arg; replaces serine 15 with arginine.
Molecular consequence: missense variant. On other transcripts: non-coding transcript variant (1).
Genome position (GRCh38, 1-based): chr6:393,197, C>G. VCF-style: chr6-393197-C-G. GRCh37 (hg19) VCF-style: chr6-393197-C-G.
Other names: c.45C>G, p.Ser15Arg (NM_001195286.2); short protein forms S15R.
Identifiers: ClinVar variation 4688084 (VCV004688084.1).
Genomic context (GRCh38, chr6:393,197, plus strand): 5'-GGACGGCACGCGGGGCATGAACCTGGAGGGCGGCGGCCGAGGCGGAGAGTTCGGCATGAG[C>G]GCGGTGAGCTGCGGCAACGGGAAGCTCCGCCAGTGGCTGATCGACCAGATCGACAGCGGC-3'
Protein context (NP_002451.2, residues 5-25): GGGRGGEFGM[Ser15Arg]AVSCGNGKLR